The following is an entry in ClinVar:

ClinVar aggregate classification (germline): Uncertain significance. Review status: criteria provided, multiple submitters, no conflicts (2 of 4 stars). 3 submissions from 3 submitters: Uncertain significance (3). Last evaluated 2024-05-04.

Conditions:
Inborn genetic diseases. Identifiers: MedGen C0950123, MeSH D030342.
Wilson disease (WND). Also called: Wilson's disease. Identifiers: Orphanet 905, MedGen C0019202, MONDO:0010200, OMIM 277900. Disease mechanism: loss of function.

Allele frequency attached by ClinVar (database versions not stated): TOPMed below 0.00001; gnomAD exomes 0.00001.
gnomAD v4.1: 4 of 1,614,206 alleles (0.00025%); highest among the groups gnomAD compares: East Asian, 0.0045%; no homozygotes.

Submissions (3):

Fulgent Genetics
Classification: Uncertain significance for Wilson disease. Last evaluated: 2024-05-04. Review status: criteria provided, single submitter. Criteria: ACMG Guidelines, 2015. Collection method: clinical testing. Allele origin: germline.

Ambry Genetics
Classification: Uncertain significance for Inborn genetic diseases. Last evaluated: 2023-10-25. Review status: criteria provided, single submitter. Criteria: Ambry Variant Classification Scheme 2023. Collection method: clinical testing. Allele origin: germline.

Labcorp Genetics (formerly Invitae), Labcorp
Classification: Uncertain significance for Wilson disease. Last evaluated: 2022-07-11. Review status: criteria provided, single submitter. Criteria: Invitae Variant Classification Sherloc (09022015). Collection method: clinical testing. Allele origin: germline.
Comment: This sequence change replaces serine, which is neutral and polar, with leucine, which is neutral and non-polar, at codon 1429 of the ATP7B protein (p.Ser1429Leu). This variant is not present in population databases (gnomAD no frequency). This variant has not been reported in the literature in individuals affected with ATP7B-related conditions. ClinVar contains an entry for this variant (Variation ID: 1483860). Algorithms developed to predict the effect of missense changes on protein structure and function are either unavailable or do not agree on the potential impact of this missense change (SIFT: "Tolerated"; PolyPhen-2: "Probably Damaging"; Align-GVGD: "Class C0"). In summary, the available evidence is currently insufficient to determine the role of this variant in disease. Therefore, it has been classified as a Variant of Uncertain Significance.

NM_000053.4(ATP7B):c.4286C>T (p.Ser1429Leu)

Gene: ATP7B (ATPase copper transporting beta; minus strand). Cytogenetic location: 13q14.3.
Variant type: single nucleotide variant.
Coding change: c.4286C>T on transcript NM_000053.4 (MANE Select); coding-DNA position 4286, C replaced by T.
Protein change: p.Ser1429Leu; replaces serine 1429 with leucine.
Molecular consequence: missense variant.
Genome position (GRCh38, 1-based): chr13:51,934,868, G>A on the plus strand (C>T on the coding strand, the complement: ATP7B is on the minus strand). VCF-style: chr13-51934868-G-A. GRCh37 (hg19) VCF-style: chr13-52509004-G-A.
Other names: c.3665C>T, p.Ser1222Leu (NM_001005918.3); c.3953C>T, p.Ser1318Leu (NM_001243182.2); c.4052C>T, p.Ser1351Leu (NM_001330578.2); c.4034C>T, p.Ser1345Leu (NM_001330579.2); c.4286C>T (NM_000053.3); short protein forms S1429L, S1222L, S1345L, S1318L, S1351L.
Identifiers: ClinVar variation 1483860 (VCV001483860.5), dbSNP rs1956864058, ClinGen allele CA388019190.